The following is an entry in ClinVar:

NM_007294.4(BRCA1):c.5041_5042insTTAA (p.Thr1681fs)

Gene: BRCA1 (BRCA1 DNA repair associated; minus strand). Cytogenetic location: 17q21.31.
Variant type: Insertion.
Coding change: c.5041_5042insTTAA on transcript NM_007294.4 (MANE Select); coding-DNA positions 5041 to 5042, TTAA inserted.
Protein change: p.Thr1681fs; shifts the reading frame from threonine 1681.
Molecular consequence: frameshift variant. On other transcripts: non-coding transcript variant (1).
Genome position: GRCh38 VCF-style: chr17-43067640-G-GTTAA. GRCh37 (hg19) VCF-style: chr17-41219657-G-GTTAA.
Other names: 5159ins4-ter1683; c.5041_5042insTTAA, p.Thr1681fs (NM_007294.3); c.4896_4897insATTA, p.Thr1633Ilefs (NM_001407747.1, NM_001407748.1, NM_001407749.1 and 21 more transcripts); c.4893_4894insATTA, p.Thr1632Ilefs (NM_001407838.1, NM_001407839.1, NM_001407841.1 and 12 more transcripts); c.5040_5041insATTA, p.Thr1681Ilefs (NM_001407854.1, NM_001407593.1, NM_001407594.1 and 8 more transcripts); c.5037_5038insATTA, p.Thr1680Ilefs (NM_001407858.1, NM_001407859.1, NM_001407860.1 and 17 more transcripts); c.5034_5035insATTA, p.Thr1679Ilefs (NM_001407861.1, NM_001407627.1, NM_001407628.1 and 14 more transcripts); c.4839_4840insATTA, p.Thr1614Ilefs (NM_001407862.1); and 75 more; short protein forms T1634fs, T577fs, T1702fs, T1681fs.
Identifiers: ClinVar variation 266517 (VCV000266517.6), dbSNP rs886040264, ClinGen allele CA10589625.

ClinVar aggregate classification (germline): Pathogenic. Review status: reviewed by expert panel (3 of 4 stars). 2 submissions from 2 submitters: Pathogenic (1). 1 of the submissions does not count toward it. Last evaluated 2016-10-18.

Conditions:
Breast-ovarian cancer, familial, susceptibility to, 1 (BROVCA1). Also called: BRCA1 Hereditary Breast and Ovarian Cancer; OVARIAN CANCER, SUSCEPTIBILITY TO. Identifiers: Orphanet 145, MedGen C2676676, MONDO:0011450, OMIM 604370. Disease mechanism: loss of function.

Submissions (2):

Evidence-based Network for the Interpretation of Germline Mutant Alleles (ENIGMA)
Classification: Pathogenic for Breast-ovarian cancer, familial, susceptibility to, 1. Last evaluated: 2016-10-18. Review status: reviewed by expert panel. Criteria: ENIGMA BRCA1/2 Classification Criteria (2015). Collection method: curation. Allele origin: germline.
Comment: Variant allele predicted to encode a truncated non-functional protein.

Consortium of Investigators of Modifiers of BRCA1/2 (CIMBA), c/o University of Cambridge
Classification: Pathogenic for Breast-ovarian cancer, familial, susceptibility to, 1. Last evaluated: 2015-10-02. Review status: criteria provided, single submitter. Criteria: CIMBA Mutation Classification guidelines May 2016. Collection method: clinical testing. Allele origin: germline. Not counted in ClinVar's aggregate classification.